The following is an entry in ClinVar:

NM_014639.4(SKIC3):c.3988_3989del (p.Ser1330fs)

Gene: SKIC3 (SKI3 subunit of superkiller complex; minus strand). Cytogenetic location: 5q15.
Variant type: Microsatellite.
Coding change: c.3988_3989del on transcript NM_014639.4 (MANE Select); coding-DNA positions 3988 to 3989, 2 bases deleted (TC; older notation c.3988_3989delTC).
Protein change: p.Ser1330fs; shifts the reading frame from serine 1330.
Molecular consequence: frameshift variant.
Genome position (GRCh38, 1-based): chr5:95,484,788-95,484,789, GA deleted on the plus strand (TC on the coding strand, the reverse complement: SKIC3 is on the minus strand); deleting any 2 consecutive bases within chr5:95,484,788-95,484,795 gives the same sequence; the c. name uses the placement nearest the transcript's 3' end. VCF-style (leftmost placement, unchanged base first): chr5-95484787-TGA-T. GRCh37 (hg19) VCF-style: chr5-94820491-TGA-T.
Other names: short protein forms S1330fs.
Identifiers: ClinVar variation 2971460 (VCV002971460.3), dbSNP rs1194236664, ClinGen allele CA561267512.

ClinVar aggregate classification (germline): Pathogenic (1 of 4 stars; one submission).

Submission:

Labcorp Genetics (formerly Invitae), Labcorp
Classification: Pathogenic. Last evaluated: 2024-02-23. Review status: criteria provided, single submitter. Criteria: Invitae Variant Classification Sherloc (09022015). Collection method: clinical testing. Allele origin: germline.
Comment: This sequence change creates a premature translational stop signal (p.Ser1330Thrfs*14) in the TTC37 gene. It is expected to result in an absent or disrupted protein product. Loss-of-function variants in TTC37 are known to be pathogenic (PMID: 20176027, 21120949). This variant is present in population databases (no rsID available, gnomAD 0.0009%). This premature translational stop signal has been observed in individual(s) with atypical common variable immunodeficiency (PMID: 32047491). For these reasons, this variant has been classified as Pathogenic.

Literature cited by the submitters: PubMed 20176027; PubMed 21120949; PubMed 32047491.